The following is an entry in ClinVar:

NM_198173.3(GRHL3):c.1047+9T>G

Gene: GRHL3 (grainyhead like transcription factor 3; plus strand). Cytogenetic location: 1p36.11.
Variant type: single nucleotide variant.
Coding change: c.1047+9T>G on transcript NM_198173.3 (MANE Select); 9 bases into the intron after coding-DNA position 1047, T replaced by G.
Molecular consequence: intron variant.
Genome position (GRCh38, 1-based): chr1:24,339,771, T>G. VCF-style: chr1-24339771-T-G. GRCh37 (hg19) VCF-style: chr1-24666261-T-G.
Other names: c.1047+9T>G (NM_198173.2, NM_198174.3); c.909+9T>G (NM_001195010.2); c.1062+9T>G (NM_021180.4).
Identifiers: ClinVar variation 2415956 (VCV002415956.7), dbSNP rs201436767, ClinGen allele CA690073.

ClinVar aggregate classification (germline): Benign/Likely benign. Review status: criteria provided, multiple submitters, no conflicts (2 of 4 stars). 2 submissions from 2 submitters: Benign (1); Likely benign (1). Last evaluated 2025-09-03.

Conditions:
GRHL3-related disorder. Also called: GRHL3-related condition.
Van der Woude syndrome 2 (VWS2). Identifiers: Orphanet 888, MedGen C1847604, MONDO:0011712, OMIM 606713.

Allele frequency attached by ClinVar (database versions not stated): gnomAD exomes 0.00033; gnomAD 0.00040; TOPMed 0.00043; ExAC 0.00055; ESP Exome Variant Server 0.00062.
gnomAD v4.1: 569 of 1,589,834 alleles (0.036%); highest among the groups gnomAD compares: Non-Finnish European, 0.0082%; 2 homozygotes.

Submissions (2):

Labcorp Genetics (formerly Invitae), Labcorp
Classification: Benign for Van der Woude syndrome 2. Last evaluated: 2025-09-03. Review status: criteria provided, single submitter. Criteria: Invitae Variant Classification Sherloc (09022015). Collection method: clinical testing. Allele origin: germline.

PreventionGenetics, part of Exact Sciences
Classification: Likely benign for GRHL3-related condition. Last evaluated: 2025-01-14. Review status: criteria provided, single submitter. Criteria: ACMG Guidelines, 2015. Collection method: clinical testing. Allele origin: germline.
Comment: This variant is classified as likely benign based on ACMG/AMP sequence variant interpretation guidelines (Richards et al. 2015 PMID: 25741868, with internal and published modifications).